The following is an entry in ClinVar:

NM_000531.6(OTC):c.664-220G>A

Gene: OTC (ornithine transcarbamylase; plus strand). Cytogenetic location: Xp11.4.
Variant type: single nucleotide variant.
Coding change: c.664-220G>A on transcript NM_000531.6 (MANE Select); 220 bases into the intron before coding-DNA position 664, G replaced by A.
Molecular consequence: intron variant.
Genome position (GRCh38, 1-based): chrX:38,408,522, G>A. VCF-style: chrX-38408522-G-A. GRCh37 (hg19) VCF-style: chrX-38267775-G-A.
Identifiers: ClinVar variation 680718 (VCV000680718.1), dbSNP rs1554993, ClinGen allele CA327910695.

ClinVar aggregate classification (germline): Benign (1 of 4 stars; one submission).

Allele frequency attached by ClinVar (database versions not stated): gnomAD 0.13567 and 0.14456; TOPMed 0.15510; 1000 Genomes Project 30x 0.24579; 1000 Genomes Project 0.25166.
gnomAD v4.1: 15,960 of 111,018 alleles (14%); highest among the groups gnomAD compares: East Asian, 45%; 1,061 homozygotes.

Submission:

GeneDx
Classification: Benign. Last evaluated: 2018-06-14. Review status: criteria provided, single submitter. Criteria: GeneDx Variant Classification (06012015). Collection method: clinical testing. Allele origin: germline. Affected: yes.
Comment: This variant is considered likely benign or benign based on one or more of the following criteria: it is a conservative change, it occurs at a poorly conserved position in the protein, it is predicted to be benign by multiple in silico algorithms, and/or has population frequency not consistent with disease.